The following is an entry in ClinVar:

ClinVar aggregate classification (germline): Likely benign. Review status: reviewed by expert panel (3 of 4 stars). 7 submissions from 7 submitters: Likely benign (1). 6 of the submissions do not count toward it. Last evaluated 2017-06-29.

Conditions:
Hereditary cancer-predisposing syndrome. Also called: Hereditary Cancer Syndrome; Neoplastic Syndromes, Hereditary; Tumor predisposition; Hereditary neoplastic syndrome. Identifiers: Orphanet 140162, MedGen C0027672, MeSH D009386, MONDO:0015356.
Breast-ovarian cancer, familial, susceptibility to, 2 (BROVCA2). Also called: BRCA2 Hereditary Breast and Ovarian Cancer. Identifiers: Orphanet 145, MedGen C2675520, MONDO:0012933, OMIM 612555. Disease mechanism: loss of function.
Hereditary breast ovarian cancer syndrome. Also called: Hereditary breast and/or ovarian cancer syndrome; BRCA1- and BRCA2-Associated Hereditary Breast and Ovarian Cancer; Hereditary breast and ovarian cancer syndrome (HBOC); Hereditary breast and ovarian cancer; Hereditary breast and ovarian cancer syndrome; Breast and ovarian cancer. Identifiers: Orphanet 145, MedGen C0677776, MeSH D061325, MONDO:0003582. Disease mechanism: loss of function.

gnomAD v4.1: 1 of 1,607,408 alleles (0.000062%); highest among the groups gnomAD compares: Non-Finnish European, 0.000085%; no homozygotes.

Submissions (7):

Evidence-based Network for the Interpretation of Germline Mutant Alleles (ENIGMA)
Classification: Likely benign for Breast-ovarian cancer, familial, susceptibility to, 2. Last evaluated: 2017-06-29. Review status: reviewed by expert panel. Criteria: ENIGMA BRCA1/2 Classification Criteria (2017-06-29). Collection method: curation. Allele origin: germline.
Comment: Synonymous substitution variant, with low bioinformatic likelihood to result in a splicing aberration (Splicing prior probability 0.02).

Labcorp Genetics (formerly Invitae), Labcorp
Classification: Likely benign for Hereditary breast ovarian cancer syndrome. Last evaluated: 2025-04-27. Review status: criteria provided, single submitter. Criteria: Invitae Variant Classification Sherloc (09022015). Collection method: clinical testing. Allele origin: germline. Not counted in ClinVar's aggregate classification.

Quest Diagnostics Nichols Institute San Juan Capistrano
Classification: Likely benign. Last evaluated: 2023-07-12. Review status: criteria provided, single submitter. Criteria: Quest Diagnostics criteria. Collection method: clinical testing. Allele origin: unknown. Not counted in ClinVar's aggregate classification.

All of Us Research Program, National Institutes of Health
Classification: Likely benign for Breast-ovarian cancer, familial, susceptibility to, 2. Last evaluated: 2023-06-08. Review status: criteria provided, single submitter. Criteria: ACMG Guidelines, 2015. Collection method: clinical testing. Allele origin: germline. Inheritance: Autosomal dominant inheritance. Observed: 1 variant allele, 1 heterozygote. Not counted in ClinVar's aggregate classification.
Comment: This study involves interpretation of variants in research participants for the purpose of population health screening. Participant phenotype was not available at the time of variant classification. Additional details can be found in publication PMID: 35346344, PMCID: PMC8962531

Color Diagnostics, LLC DBA Color Health
Classification: Likely benign for Hereditary cancer-predisposing syndrome. Last evaluated: 2023-05-31. Review status: criteria provided, single submitter. Criteria: ACMG Guidelines, 2015. Collection method: clinical testing. Allele origin: germline. Not counted in ClinVar's aggregate classification.

Women's Health and Genetics/Laboratory Corporation of America, LabCorp
Classification: Likely benign. Last evaluated: 2019-08-21. Review status: criteria provided, single submitter. Criteria: LabCorp Variant Classification Summary - May 2015. Collection method: clinical testing. Allele origin: germline. Not counted in ClinVar's aggregate classification.

Ambry Genetics
Classification: Likely benign for Hereditary cancer-predisposing syndrome. Last evaluated: 2015-01-14. Review status: criteria provided, single submitter. Criteria: Ambry Variant Classification Scheme 2023. Collection method: clinical testing. Allele origin: germline. Not counted in ClinVar's aggregate classification.

Literature cited by the submitters: PubMed 16847550 (cited by Quest Diagnostics Nichols Institute San Juan Capistrano); PubMed 32486089 (cited by Quest Diagnostics Nichols Institute San Juan Capistrano); PubMed 30702160 (cited by Quest Diagnostics Nichols Institute San Juan Capistrano).

NM_000059.4(BRCA2):c.1302A>G (p.Lys434=)

Gene: BRCA2 (BRCA2 DNA repair associated; plus strand). Cytogenetic location: 13q13.1.
Variant type: single nucleotide variant.
Coding change: c.1302A>G on transcript NM_000059.4 (MANE Select); coding-DNA position 1302, A replaced by G.
Protein change: p.Lys434=; no amino-acid change (lysine 434 retained).
Molecular consequence: synonymous variant.
Genome position (GRCh38, 1-based): chr13:32,332,780, A>G. VCF-style: chr13-32332780-A-G. GRCh37 (hg19) VCF-style: chr13-32906917-A-G.
Identifiers: ClinVar variation 230033 (VCV000230033.21), dbSNP rs200552004, ClinGen allele CA10579492.